The following is an entry in ClinVar:

ClinVar aggregate classification (germline): Uncertain significance (0 of 4 stars; one submission).

Submission:

Richard Lifton Laboratory, Yale University School of Medicine
Classification: Uncertain significance. Review status: no assertion criteria provided. Collection method: not provided. Allele origin: somatic.
Comment: GUCY1A3
ClinVar note: Converted during submission from unknown to Uncertain significance.

NM_001130682.3(GUCY1A1):c.69T>A (p.Gly23=)

Gene: GUCY1A1 (guanylate cyclase 1 soluble subunit alpha 1; plus strand). Cytogenetic location: 4q32.1.
Variant type: single nucleotide variant.
Coding change: c.69T>A on transcript NM_001130682.3 (MANE Select); coding-DNA position 69, T replaced by A.
Protein change: p.Gly23=; no amino-acid change (glycine 23 retained).
Molecular consequence: synonymous variant. On other transcripts: 5 prime UTR variant (1).
Genome position (GRCh38, 1-based): chr4:155,696,936, T>A. VCF-style: chr4-155696936-T-A. GRCh37 (hg19) VCF-style: chr4-156618088-T-A.
Other names: c.69T>A, p.Gly23= (NM_000856.6, NM_001130683.4, NM_001130684.3 and 13 more transcripts); c.-637T>A (NM_001130685.3).
Identifiers: ClinVar variation 91914 (VCV000091914.2), dbSNP rs386352315, ClinGen allele CA232151.